The following is an entry in ClinVar:

ClinVar aggregate classification (germline): Uncertain significance (1 of 4 stars; one submission).

Allele frequency attached by ClinVar (database versions not stated): ExAC 0.00001; gnomAD 0.00001; gnomAD exomes 0.00001 and 0.00002; TOPMed 0.00001.
gnomAD v4.1: 6 of 1,614,094 alleles (0.00037%); highest among the groups gnomAD compares: Non-Finnish European, 0.00051%; no homozygotes.

Submission:

Labcorp Genetics (formerly Invitae), Labcorp
Classification: Uncertain significance. Last evaluated: 2022-06-20. Review status: criteria provided, single submitter. Criteria: Invitae Variant Classification Sherloc (09022015). Collection method: clinical testing. Allele origin: germline.
Comment: This sequence change replaces lysine, which is basic and polar, with glutamine, which is neutral and polar, at codon 1150 of the TTC37 protein (p.Lys1150Gln). This variant is present in population databases (rs745415932, gnomAD 0.004%). This variant has not been reported in the literature in individuals affected with TTC37-related conditions. Algorithms developed to predict the effect of missense changes on protein structure and function are either unavailable or do not agree on the potential impact of this missense change (SIFT: "Tolerated"; PolyPhen-2: "Probably Damaging"; Align-GVGD: "Class C0"). In summary, the available evidence is currently insufficient to determine the role of this variant in disease. Therefore, it has been classified as a Variant of Uncertain Significance.

NM_014639.4(SKIC3):c.3448A>C (p.Lys1150Gln)

Gene: SKIC3 (SKI3 subunit of superkiller complex; minus strand). Cytogenetic location: 5q15.
Variant type: single nucleotide variant.
Coding change: c.3448A>C on transcript NM_014639.4 (MANE Select); coding-DNA position 3448, A replaced by C.
Protein change: p.Lys1150Gln; replaces lysine 1150 with glutamine.
Molecular consequence: missense variant.
Genome position (GRCh38, 1-based): chr5:95,498,485, T>G on the plus strand (A>C on the coding strand, the complement: SKIC3 is on the minus strand). VCF-style: chr5-95498485-T-G. GRCh37 (hg19) VCF-style: chr5-94834189-T-G.
Other names: short protein forms K1150Q.
Identifiers: ClinVar variation 1499671 (VCV001499671.5), dbSNP rs745415932, ClinGen allele CA3346727.